The following is an entry in ClinVar:

ClinVar aggregate classification (germline): Likely pathogenic (1 of 4 stars; one submission).

Conditions:
ZMYM2-related disorder. Also called: ZMYM2-related condition.

Submission:

PreventionGenetics, part of Exact Sciences
Classification: Likely pathogenic for ZMYM2-related condition. Last evaluated: 2026-02-16. Review status: criteria provided, single submitter. Criteria: ACMG Guidelines, 2015. Collection method: clinical testing. Allele origin: germline.
Comment: The ZMYM2 c.2282G>A variant is predicted to result in premature protein termination (p.Trp761*). To our knowledge, this variant has not been reported in the literature or in a large population database (gnomAD), indicating this variant is rare. Nonsense variants in ZMYM2 are expected to be pathogenic. This variant is interpreted as likely pathogenic.

NM_197968.4(ZMYM2):c.2282G>A (p.Trp761Ter)

Gene: ZMYM2 (zinc finger MYM-type containing 2; plus strand). Cytogenetic location: 13q12.11.
Variant type: single nucleotide variant.
Coding change: c.2282G>A on transcript NM_197968.4 (MANE Select); coding-DNA position 2282, G replaced by A.
Protein change: p.Trp761Ter; replaces tryptophan 761 with a stop codon.
Molecular consequence: nonsense. On other transcripts: non-coding transcript variant (1).
Genome position (GRCh38, 1-based): chr13:20,036,899, G>A. VCF-style: chr13-20036899-G-A. GRCh37 (hg19) VCF-style: chr13-20611039-G-A.
Other names: c.2282G>A, p.Trp761Ter (NM_001190964.4, NM_001190965.4, NM_001353157.2 and 5 more transcripts); c.2087G>A, p.Trp696Ter (NM_001353161.3); c.2021G>A, p.Trp674Ter (NM_001353163.2); short protein forms W674*, W761*, W696*.
Identifiers: ClinVar variation 4987448 (VCV004987448.1).